The following is an entry in ClinVar:

NM_001256789.3(CACNA1F):c.16G>A (p.Gly6Ser)

Gene: CACNA1F (calcium voltage-gated channel subunit alpha1 F; minus strand). Cytogenetic location: Xp11.23.
Variant type: single nucleotide variant.
Coding change: c.16G>A on transcript NM_001256789.3 (MANE Select); coding-DNA position 16, G replaced by A.
Protein change: p.Gly6Ser; replaces glycine 6 with serine.
Molecular consequence: missense variant.
Genome position (GRCh38, 1-based): chrX:49,233,294, C>T on the plus strand (G>A on the coding strand, the complement: CACNA1F is on the minus strand). VCF-style: chrX-49233294-C-T. GRCh37 (hg19) VCF-style: chrX-49089756-C-T.
Other names: c.16G>A, p.Gly6Ser (NM_001256790.3, NM_005183.4); short protein forms G6S.
Identifiers: ClinVar variation 4729576 (VCV004729576.1).
Genomic context (GRCh38, chrX:49,233,294, plus strand): 5'-AGGGGCTCTACCTTGCTCCAAGGGTCTGCAGGGATGGAAGGATTCTCTCACCTTTCCCGC[C>T]TTCAGATTCCGACATCTTTCTTTCGAGATTGAAGGGCCATCTGCACACAACCCCCCTCTC-3'
Protein context (NP_001243718.1, residues 1-16): MSESE[Gly6Ser]GKDTTPEPSP

ClinVar aggregate classification (germline): Uncertain significance (1 of 4 stars; one submission).

Submission:

Labcorp Genetics (formerly Invitae), Labcorp
Classification: Uncertain significance. Last evaluated: 2025-10-22. Review status: criteria provided, single submitter. Criteria: Invitae Variant Classification Sherloc (09022015). Collection method: clinical testing. Allele origin: germline.
Comment: This sequence change replaces glycine, which is neutral and non-polar, with serine, which is neutral and polar, at codon 6 of the CACNA1F protein (p.Gly6Ser). This variant is not present in population databases (gnomAD no frequency). This variant has not been reported in the literature in individuals affected with CACNA1F-related conditions. An algorithm developed to predict the effect of missense changes on protein structure and function (PolyPhen-2) suggests that this variant is likely to be tolerated. In summary, the available evidence is currently insufficient to determine the role of this variant in disease. Therefore, it has been classified as a Variant of Uncertain Significance.